The following is an entry in ClinVar:

ClinVar aggregate classification (germline): Benign/Likely benign. Review status: criteria provided, multiple submitters, no conflicts (2 of 4 stars). 5 submissions from 5 submitters: Benign (1); Likely benign (4). Last evaluated 2025-09-01.

Conditions:
Hereditary cancer-predisposing syndrome. Also called: Tumor predisposition; Hereditary Cancer Syndrome; Hereditary neoplastic syndrome; Neoplastic Syndromes, Hereditary. Identifiers: Orphanet 140162, MedGen C0027672, MeSH D009386, MONDO:0015356.
Familial cancer of breast. Also called: BREAST CANCER, FAMILIAL; Hereditary breast cancer; hereditary breast carcinoma. Identifiers: Orphanet 227535, MedGen C0346153, MONDO:0016419, OMIM 114480. Disease mechanism: loss of function.

Allele frequency attached by ClinVar (database versions not stated): gnomAD exomes below 0.00001; gnomAD 0.00001.
gnomAD v4.1: 4 of 1,613,948 alleles (0.00025%); highest among the groups gnomAD compares: East Asian, 0.0022%; no homozygotes.

Submissions (5):

Labcorp Genetics (formerly Invitae), Labcorp
Classification: Likely benign for Familial cancer of breast. Last evaluated: 2025-09-01. Review status: criteria provided, single submitter. Criteria: Invitae Variant Classification Sherloc (09022015). Collection method: clinical testing. Allele origin: germline.

Quest Diagnostics Nichols Institute San Juan Capistrano
Classification: Likely benign. Last evaluated: 2025-05-06. Review status: criteria provided, single submitter. Criteria: Quest Diagnostics criteria. Collection method: clinical testing. Allele origin: unknown.

Myriad Genetics, Inc.
Classification: Benign for Familial cancer of breast. Last evaluated: 2025-01-13. Review status: criteria provided, single submitter. Criteria: Myriad Autosomal Dominant, Autosomal Recessive and X-Linked Classification Criteria (2023). Collection method: clinical testing. Allele origin: unknown.
Comment: This variant is considered benign. This variant is a silent/synonymous amino acid change and it is not expected to impact splicing.

Color Diagnostics, LLC DBA Color Health
Classification: Likely benign for Hereditary cancer-predisposing syndrome. Last evaluated: 2017-02-10. Review status: criteria provided, single submitter. Criteria: ACMG Guidelines, 2015. Collection method: clinical testing. Allele origin: germline.

Ambry Genetics
Classification: Likely benign for Hereditary cancer-predisposing syndrome. Last evaluated: 2016-10-06. Review status: criteria provided, single submitter. Criteria: Ambry Variant Classification Scheme 2023. Collection method: clinical testing. Allele origin: germline.

NM_024675.4(PALB2):c.1257C>T (p.Cys419=)

Gene: PALB2 (partner and localizer of BRCA2; minus strand). Cytogenetic location: 16p12.2.
Variant type: single nucleotide variant.
Coding change: c.1257C>T on transcript NM_024675.4 (MANE Select); coding-DNA position 1257, C replaced by T.
Protein change: p.Cys419=; no amino-acid change (cysteine 419 retained).
Molecular consequence: synonymous variant.
Genome position (GRCh38, 1-based): chr16:23,635,289, G>A on the plus strand (C>T on the coding strand, the complement: PALB2 is on the minus strand). VCF-style: chr16-23635289-G-A. GRCh37 (hg19) VCF-style: chr16-23646610-G-A.
Identifiers: ClinVar variation 183796 (VCV000183796.21), dbSNP rs786201086, ClinGen allele CA186514.